The following is an entry in ClinVar:

NM_000368.5(TSC1):c.3112AGC[9] (p.Ser1041_Ser1043dup)

Gene: TSC1 (TSC complex subunit 1; minus strand). Cytogenetic location: 9q34.13.
Variant type: Microsatellite.
Coding change: c.3112AGC[9] on transcript NM_000368.5 (MANE Select); nine copies in a row of the 3-base unit AGC starting at c.3112; the reference has six copies in a row; three copies, 9 bases duplicated; also written c.3121_3129dup.
Protein change: p.Ser1041_Ser1043dup.
Molecular consequence: inframe insertion.
Genome position (GRCh38, 1-based): chr9:132,896,601-132,896,609, GCTGCTGCT duplicated on the plus strand (AGCAGCAGC on the coding strand, the reverse complement: TSC1 is on the minus strand); duplicating any 9 consecutive bases within chr9:132,896,601-132,896,620 gives the same sequence; the position shown is the placement nearest the transcript's 3' end. VCF-style (leftmost placement, unchanged base first): chr9-132896600-C-CGCTGCTGCT. GRCh37 (hg19) VCF-style: chr9-135771987-C-CGCTGCTGCT.
Other names: c.3109AGC[9], p.Ser1040_Ser1042dup (NM_001162426.2); c.2959AGC[9], p.Ser990_Ser992dup (NM_001162427.2); c.2749AGC[9], p.Ser920_Ser922dup (NM_001362177.2); c.3121_3129dup (NM_000368.4).
Identifiers: ClinVar variation 466120 (VCV000466120.14), dbSNP rs2234980, ClinGen allele CA658656062.

ClinVar aggregate classification (germline): Conflicting classifications of pathogenicity. Review status: criteria provided, conflicting classifications (1 of 4 stars). 3 submissions from 3 submitters: Uncertain significance (1); Benign (1); Likely benign (1). Last evaluated 2025-08-14.

Conditions:
Hereditary cancer-predisposing syndrome. Also called: Hereditary neoplastic syndrome; Neoplastic Syndromes, Hereditary; Tumor predisposition; Hereditary Cancer Syndrome. Identifiers: Orphanet 140162, MedGen C0027672, MeSH D009386, MONDO:0015356.
Tuberous sclerosis syndrome (TSC). Also called: Tuberous Sclerosis Complex; Tuberous sclerosis. Identifiers: Orphanet 805, MedGen C0041341, MONDO:0001734.
Tuberous sclerosis 1 (TSC1). Identifiers: Orphanet 805, MedGen C1854465, MONDO:0008612, OMIM 191100.

Submissions (3):

Labcorp Genetics (formerly Invitae), Labcorp
Classification: Benign for Tuberous sclerosis 1. Last evaluated: 2025-08-14. Review status: criteria provided, single submitter. Criteria: Invitae Variant Classification Sherloc (09022015). Collection method: clinical testing. Allele origin: germline.

All of Us Research Program, National Institutes of Health
Classification: Uncertain significance for Tuberous sclerosis syndrome. Last evaluated: 2024-08-06. Review status: criteria provided, single submitter. Criteria: ACMG Guidelines, 2015. Collection method: clinical testing. Allele origin: germline. Inheritance: Autosomal dominant inheritance. Observed: 1 variant allele, 1 heterozygote.
Comment: This study involves interpretation of variants in research participants for the purpose of population health screening. Participant phenotype was not available at the time of variant classification. Additional details can be found in publication PMID: 35346344, PMCID: PMC8962531

Ambry Genetics
Classification: Likely benign for Hereditary cancer-predisposing syndrome. Last evaluated: 2023-06-15. Review status: criteria provided, single submitter. Criteria: Ambry Variant Classification Scheme 2023. Collection method: clinical testing. Allele origin: germline.